The following is an entry in ClinVar:

NM_001139.3(ALOX12B):c.1290T>A (p.His430Gln)

Gene: ALOX12B (arachidonate 12-lipoxygenase, 12R type; minus strand). Cytogenetic location: 17p13.1.
Variant type: single nucleotide variant.
Coding change: c.1290T>A on transcript NM_001139.3 (MANE Select); coding-DNA position 1290, T replaced by A.
Protein change: p.His430Gln; replaces histidine 430 with glutamine.
Molecular consequence: missense variant.
Genome position (GRCh38, 1-based): chr17:8,076,729, A>T on the plus strand (T>A on the coding strand, the complement: ALOX12B is on the minus strand). VCF-style: chr17-8076729-A-T. GRCh37 (hg19) VCF-style: chr17-7980047-A-T.
Other names: short protein forms H430Q.
Identifiers: ClinVar variation 2092979 (VCV002092979.4), dbSNP rs2507692622, ClinGen allele CA397991556.
Genomic context (GRCh38, chr17:8,076,729, plus strand): 5'-CCCCCCCTCATTGAGGAGAACGGCCCGGCCAATGCTGTTGATCTGGACGGTGTATCGGGT[A>T]TGGGGGATGAGGAGCTGTGGGGAGAGCAAGGAGGATGAAGAGAGAGGGCTGAAGTGGCCC-3'
Protein context (NP_001130.1, residues 420-440): CHPLYKLLIP[His430Gln]TRYTVQINSI

ClinVar aggregate classification (germline): Uncertain significance (1 of 4 stars; one submission).

Submission:

Labcorp Genetics (formerly Invitae), Labcorp
Classification: Uncertain significance. Last evaluated: 2022-02-04. Review status: criteria provided, single submitter. Criteria: Invitae Variant Classification Sherloc (09022015). Collection method: clinical testing. Allele origin: germline.
Comment: This sequence change replaces histidine, which is basic and polar, with glutamine, which is neutral and polar, at codon 430 of the ALOX12B protein (p.His430Gln). This variant is not present in population databases (gnomAD no frequency). This missense change has been observed in individual(s) with clinical features of congenital ichthyosis (Invitae). Advanced modeling of protein sequence and biophysical properties (such as structural, functional, and spatial information, amino acid conservation, physicochemical variation, residue mobility, and thermodynamic stability) performed at Invitae indicates that this missense variant is expected to disrupt ALOX12B protein function. In summary, the available evidence is currently insufficient to determine the role of this variant in disease. Therefore, it has been classified as a Variant of Uncertain Significance.